The following is an entry in ClinVar:

ClinVar aggregate classification (germline): Likely pathogenic. Review status: criteria provided, multiple submitters, no conflicts (2 of 4 stars). 2 submissions from 2 submitters: Likely pathogenic (2). Last evaluated 2025-07-25.

Conditions:
alpha Thalassemia. Also called: Alpha thalassemia spectrum. Identifiers: Orphanet 846, MedGen C0002312, MONDO:0011399, OMIM 604131.

Submissions (2):

Natera, Inc.
Classification: Likely pathogenic for Alpha thalassemia. Last evaluated: 2025-07-25. Review status: criteria provided, single submitter. Criteria: Natera Variant Classification Schema (03/2026). Collection method: clinical testing. Allele origin: germline.
Comment: The c.2T>A variant in HBA1 is predicted to result in start loss due to disruption of the initiator methionine. This variant is expected to result in nonsense mediated decay, truncation, or a dysfunctional protein product. This variant is rare in the general population with a frequency below the threshold expected for the associated phenotype(s). Given the available evidence, this variant is classified as Likely Pathogenic.

Women's Health and Genetics/Laboratory Corporation of America, LabCorp
Classification: Likely pathogenic for alpha Thalassemia. Last evaluated: 2023-06-27. Review status: criteria provided, single submitter. Criteria: LabCorp Variant Classification Summary - May 2015. Collection method: clinical testing. Allele origin: germline.
Comment: Variant summary: HBA1 c.2T>A (p.Met1Lys) alters the initiation codon and is predicted to result either in absence of the protein or truncation of the encoded protein due to translation initiation at a downstream codon. An alternative downstream in-frame start codon (Met33) is located in the encoded protein. An activation of potential downstream translation at this initiation site would result in a shortened protein missing the first 32 amino acids from the protein sequence. At least one pathogenic missense variant has been reported upstream of this alternate codon in ClinVar. Four of four in-silico tools predict a damaging effect of the variant on protein function. The variant was absent in 230058 control chromosomes (gnomAD). c.2T>A has been reported in the literature as a homozygous and as a heterozygous genotype in individuals suspected of alpha thalassemia and in the heterozygous state in alpha thalassemia trait carriers presenting with mild microcytosis and hypochromia (e.g. Waye_2016, Keikhaei_2018). These reports do not provide unequivocal conclusions about association of the variant with Alpha Thalassemia. To our knowledge, no experimental evidence demonstrating an impact on protein function has been reported, however another variant affecting the initiation codon (c.2T>G, p.Met1Arg) has been classified as pathogenic in ClinVar. The following publications have been ascertained in the context of this evaluation (PMID: 29627922, 28865746, 27821014). No submitters have cited clinical-significance assessments for this variant to ClinVar after 2014. Based on the evidence outlined above, the variant was classified as likely pathogenic.

Literature cited by the submitters: PubMed 29627922 (cited by Women's Health and Genetics/Laboratory Corporation of America, LabCorp); PubMed 28865746 (cited by Women's Health and Genetics/Laboratory Corporation of America, LabCorp); PubMed 27821014 (cited by Women's Health and Genetics/Laboratory Corporation of America, LabCorp).

NM_000558.5(HBA1):c.2T>A (p.Met1Lys)

Genes: HBA1 (hemoglobin subunit alpha 1; plus strand), LOC106804613 (hemoglobin subunit alpha 1 recombination region; plus strand). Cytogenetic location: 16p13.3.
Variant type: single nucleotide variant.
Coding change: c.2T>A on transcript NM_000558.5 (MANE Select); coding-DNA position 2, T replaced by A.
Protein change: p.Met1Lys; changes the start codon (methionine 1).
Molecular consequence: missense variant, initiator codon variant.
Genome position (GRCh38, 1-based): chr16:176,718, T>A. VCF-style: chr16-176718-T-A. GRCh37 (hg19) VCF-style: chr16-226717-T-A.
Other names: short protein forms M1K.
Identifiers: ClinVar variation 2573442 (VCV002573442.3), dbSNP rs1316527998, ClinGen allele CA393994888.